The following is an entry in ClinVar:

ClinVar aggregate classification (germline): Uncertain significance (1 of 4 stars; one submission).

Conditions:
TP63-Related Spectrum Disorders.

Submission:

Labcorp Genetics (formerly Invitae), Labcorp
Classification: Uncertain significance. Last evaluated: 2022-12-01. Review status: criteria provided, single submitter. Criteria: Invitae Variant Classification Sherloc (09022015). Collection method: clinical testing. Allele origin: germline.
Comment: In summary, the available evidence is currently insufficient to determine the role of this variant in disease. Therefore, it has been classified as a Variant of Uncertain Significance. Advanced modeling of protein sequence and biophysical properties (such as structural, functional, and spatial information, amino acid conservation, physicochemical variation, residue mobility, and thermodynamic stability) performed at Invitae indicates that this missense variant is not expected to disrupt TP63 protein function. This variant has not been reported in the literature in individuals affected with TP63-related conditions. This variant is not present in population databases (gnomAD no frequency). This sequence change replaces glutamic acid, which is acidic and polar, with aspartic acid, which is acidic and polar, at codon 24 of the TP63 protein (p.Glu24Asp).

NM_003722.5(TP63):c.72A>T (p.Glu24Asp)

Gene: TP63 (tumor protein p63; plus strand). Cytogenetic location: 3q28.
Variant type: single nucleotide variant.
Coding change: c.72A>T on transcript NM_003722.5 (MANE Select); coding-DNA position 72, A replaced by T.
Protein change: p.Glu24Asp; replaces glutamic acid 24 with aspartic acid.
Molecular consequence: missense variant.
Genome position (GRCh38, 1-based): chr3:189,737,749, A>T. VCF-style: chr3-189737749-A-T. GRCh37 (hg19) VCF-style: chr3-189455538-A-T.
Other names: c.72A>T, p.Glu24Asp (NM_001114978.2, NM_001114979.2, NM_001329144.2 and 1 more transcripts); c.66A>T, p.Glu22Asp (NM_001329964.2); short protein forms E22D, E24D.
Identifiers: ClinVar variation 2801194 (VCV002801194.2), dbSNP rs2474131720, ClinGen allele CA355858786.